The following is an entry in ClinVar:

NM_001267550.2(TTN):c.100829G>A (p.Gly33610Asp)

Genes: TTN (titin; minus strand), TTN-AS1 (TTN antisense RNA 1; plus strand). Cytogenetic location: 2q31.2.
Variant type: single nucleotide variant.
Coding change: c.100829G>A on transcript NM_001267550.2 (MANE Select); coding-DNA position 100829, G replaced by A.
Protein change: p.Gly33610Asp; replaces glycine 33610 with aspartic acid.
Molecular consequence: missense variant. On other transcripts: non-coding transcript variant (1).
Genome position (GRCh38, 1-based): chr2:178,535,786, C>T on the plus strand (G>A on the coding strand, the complement: TTN is on the minus strand). VCF-style: chr2-178535786-C-T. GRCh37 (hg19) VCF-style: chr2-179400513-C-T.
Other names: c.93125G>A, p.Gly31042Asp (NM_133378.4); c.95906G>A, p.Gly31969Asp (NM_001256850.1); c.73634G>A, p.Gly24545Asp (NM_003319.4); c.74009G>A, p.Gly24670Asp (NM_133432.3); c.74210G>A, p.Gly24737Asp (NM_133437.4); short protein forms G31042D, G33610D, G24737D, G24670D, G31969D, G24545D.
Identifiers: ClinVar variation 501729 (VCV000501729.21), dbSNP rs373754986, ClinGen allele CA1985974.

ClinVar aggregate classification (germline): Uncertain significance. Review status: criteria provided, multiple submitters, no conflicts (2 of 4 stars). 6 submissions from 6 submitters: Uncertain significance (6). Last evaluated 2025-12-21.

Conditions:
Cardiovascular phenotype. Identifiers: MedGen CN230736.
Autosomal recessive limb-girdle muscular dystrophy type 2J (LGMDR10). Also called: MUSCULAR DYSTROPHY, LIMB-GIRDLE, AUTOSOMAL RECESSIVE 10; Limb-girdle muscular dystrophy, type 2J. Identifiers: Orphanet 140922, MedGen C1837342, MONDO:0012127, OMIM 608807.
Dilated cardiomyopathy 1G (CMD1G). Identifiers: Orphanet 154, MedGen C1858763, MONDO:0011400, OMIM 604145.
Hypertrophic cardiomyopathy 9. Also called: Familial hypertrophic cardiomyopathy 9. Identifiers: MedGen C1861065, MONDO:0013412, OMIM 613765.
Tibial muscular dystrophy (TMD). Also called: Udd Distal Myopathy – Tibial Muscular Dystrophy; Tibial muscular dystrophy, tardive; UDD MYOPATHY. Identifiers: Orphanet 609, MedGen C1838244, MONDO:0010870, OMIM 600334.
Early-onset myopathy with fatal cardiomyopathy (CMYO5). Also called: Salih Myopathy; CONGENITAL MYOPATHY 5 WITH CARDIOMYOPATHY. Identifiers: Orphanet 289377, MedGen C2673677, MONDO:0012714, OMIM 611705. Disease mechanism: loss of function.
Myopathy, myofibrillar, 9, with early respiratory failure (MFM9). Also called: MYOPATHY, PROXIMAL, WITH EARLY RESPIRATORY MUSCLE INVOLVEMENT; Myopathy, distal, with early respiratory failure, autosomal dominant; Hereditary myopathy with early respiratory failure; EDSTROM MYOPATHY. Identifiers: Orphanet 178464, Orphanet 34521, MedGen C1863599, MONDO:0011362, OMIM 603689.

Allele frequency attached by ClinVar (database versions not stated): gnomAD 0.00003; ESP Exome Variant Server 0.00008; TOPMed 0.00011.
gnomAD v4.1: 65 of 1,612,500 alleles (0.004%); highest among the groups gnomAD compares: Admixed American, 0.078%; no homozygotes.

Submissions (6):

Labcorp Genetics (formerly Invitae), Labcorp
Classification: Uncertain significance for Dilated cardiomyopathy 1G; Autosomal recessive limb-girdle muscular dystrophy type 2J. Last evaluated: 2025-12-21. Review status: criteria provided, single submitter. Criteria: Invitae Variant Classification Sherloc (09022015). Collection method: clinical testing. Allele origin: germline.
Comment: This sequence change replaces glycine, which is neutral and non-polar, with aspartic acid, which is acidic and polar, at codon 33610 of the TTN protein (p.Gly33610Asp). This variant is present in population databases (rs373754986, gnomAD 0.05%). This missense change has been observed in individual(s) with clinical features of TTN-related conditions (internal data). ClinVar contains an entry for this variant (Variation ID: 501729). Experimental studies and prediction algorithms are not available or were not evaluated, and the functional significance of this variant is currently unknown. This variant is located in the M band of TTN (PMID: 25589632). Non-truncating variants in this region may be relevant for neuromuscular disorders, but have not been definitively shown to cause cardiomyopathy (PMID: 23975875). In summary, the available evidence is currently insufficient to determine the role of this variant in disease. Therefore, it has been classified as a Variant of Uncertain Significance.

Revvity Omics, Revvity
Classification: Uncertain significance. Last evaluated: 2024-10-31. Review status: criteria provided, single submitter. Criteria: ACMG Guidelines, 2015. Collection method: clinical testing. Allele origin: germline.

Fulgent Genetics
Classification: Uncertain significance for Tibial muscular dystrophy; Myopathy, myofibrillar, 9, with early respiratory failure; Dilated cardiomyopathy 1G; Autosomal recessive limb-girdle muscular dystrophy type 2J; Early-onset myopathy with fatal cardiomyopathy; Hypertrophic cardiomyopathy 9. Last evaluated: 2021-10-08. Review status: criteria provided, single submitter. Criteria: ACMG Guidelines, 2015. Collection method: clinical testing. Allele origin: unknown.

Ambry Genetics
Classification: Uncertain significance for Cardiovascular phenotype. Last evaluated: 2019-07-24. Review status: criteria provided, single submitter. Criteria: Ambry Variant Classification Scheme 2023. Collection method: clinical testing. Allele origin: germline.
Comment: The p.G24545D variant (also known as c.73634G>A), located in coding exon 185 of the TTN gene, results from a G to A substitution at nucleotide position 73634. The glycine at codon 24545 is replaced by aspartic acid, an amino acid with similar properties. This amino acid position is highly conserved in available vertebrate species. In addition, the in silico prediction for this alteration is inconclusive. Since supporting evidence is limited at this time, the clinical significance of this alteration remains unclear.

Laboratory for Molecular Medicine, Mass General Brigham Personalized Medicine
Classification: Uncertain significance. Last evaluated: 2017-06-28. Review status: criteria provided, single submitter. Criteria: LMM Criteria. Collection method: clinical testing. Allele origin: germline. Observed: 1 variant allele.
Comment: The p.Gly31042Asp variant in TTN has not been previously reported in individuals with cardiomyopathy, but has been identified in 16/33524 Latino chromosomes by the Genome Aggregation Database (gnomAD; dbSN P rs373754986). Computational prediction tools and conservation analysis suggest that the variant may impact the protein, though this information is not predict ive enough to determine pathogenicity. In summary, the clinical significance of the p.Gly31042Asp variant is uncertain.

Eurofins Ntd Llc (ga)
Classification: Uncertain significance. Last evaluated: 2017-05-04. Review status: criteria provided, single submitter. Criteria: EGL Classification Definitions 2015. Collection method: clinical testing. Allele origin: germline. Observed: 2 variant alleles, 2 heterozygotes.

Literature cited by the submitters: PubMed 25589632 (cited by Labcorp Genetics (formerly Invitae), Labcorp); PubMed 23975875 (cited by Labcorp Genetics (formerly Invitae), Labcorp).